The following is an entry in ClinVar:

ClinVar aggregate classification (germline): Likely pathogenic (1 of 4 stars; one submission).

Conditions:
Fanconi anemia complementation group A (FANCA). Also called: Fanconi anemia, group A; FANCA-Related Fanconi Anemia. Identifiers: Orphanet 84, MedGen C3469521, MONDO:0009215, OMIM 227650.

Submission:

Myriad Genetics, Inc.
Classification: Likely pathogenic for Fanconi anemia complementation group A. Last evaluated: 2026-04-22. Review status: criteria provided, single submitter. Criteria: Myriad Autosomal Dominant, Autosomal Recessive and X-Linked Classification Criteria (2023). Collection method: clinical testing. Allele origin: unknown.
Comment: NM_000135.2(FANCA):c.1225+1G>T is a variant in a canonical splice site classified as likely pathogenic in the context of Fanconi anemia complementation group A. c.1225+1G>T has not been observed in cases with relevant disease. Relevant functional assessments of this variant are not available in the literature. c.1225+1G>T has not been observed in referenced population frequency databases. In summary, NM_000135.2(FANCA):c.1225+1G>T is a variant in a canonical splice site in a gene where loss of function is a known mechanism of disease and is predicted to disrupt protein function. Please note: this variant was assessed in the context of healthy population screening.

NM_000135.4(FANCA):c.1225+1G>T

Gene: FANCA (FA complementation group A; minus strand). Cytogenetic location: 16q24.3.
Variant type: single nucleotide variant.
Coding change: c.1225+1G>T on transcript NM_000135.4 (MANE Select); the canonical splice donor site of the intron after coding-DNA position 1225, G replaced by T.
Molecular consequence: splice donor variant.
Genome position (GRCh38, 1-based): chr16:89,791,926, C>A on the plus strand (G>T on the coding strand, the complement: FANCA is on the minus strand). VCF-style: chr16-89791926-C-A. GRCh37 (hg19) VCF-style: chr16-89858334-C-A.
Other names: c.1225+1G>T (NM_001286167.3).
Identifiers: ClinVar variation 5003928 (VCV005003928.1).